The following is an entry in ClinVar:

ClinVar aggregate classification (germline): Benign. Review status: criteria provided, single submitter (1 of 4 stars). 2 submissions from 1 submitter: Benign (2). Last evaluated 2018-01-13.

Conditions:
Papillon-Lefèvre syndrome (PALS). Also called: KERATOSIS PALMOPLANTARIS WITH PERIODONTOPATHIA; Papillon-Lefevre Disease. Identifiers: Orphanet 678, MedGen C0030360, MONDO:0009490, OMIM 245000.
Haim-Munk syndrome (HMS). Also called: COCHIN JEWISH DISORDER; KERATOSIS PALMOPLANTARIS WITH PERIODONTOPATHIA AND ONYCHOGRYPOSIS. Identifiers: Orphanet 2342, MedGen C1855627, MONDO:0009491, OMIM 245010.

Allele frequency attached by ClinVar (database versions not stated): gnomAD 0.00478 and 0.00507; TOPMed 0.00531; 1000 Genomes Project 30x 0.00562; 1000 Genomes Project 0.00599.
gnomAD v4.1: 879 of 433,676 alleles (0.2%); highest among the groups gnomAD compares: African/African-American, 1.6%; 7 homozygotes.

Submissions (2):

Illumina Laboratory Services, Illumina
Classification: Benign for Papillon-Lefèvre syndrome. Last evaluated: 2018-01-13. Review status: criteria provided, single submitter. Criteria: ICSL Variant Classification Criteria 13 December 2019. Collection method: clinical testing. Allele origin: germline.
Comment: This variant was observed in the ICSL laboratory as part of a predisposition screen in an ostensibly healthy population. It had not been previously curated by ICSL or reported in the Human Gene Mutation Database (HGMD: prior to June 1st, 2018), and was therefore a candidate for classification through an automated scoring system. Utilizing variant allele frequency, disease prevalence and penetrance estimates, and inheritance mode, an automated score was calculated to assess if this variant is too frequent to cause the disease. Based on the score and internal cut-off values, a variant classified as benign is not then subjected to further curation. The score for this variant resulted in a classification of benign for this disease.

Illumina Laboratory Services, Illumina
Classification: Benign for Haim-Munk syndrome. Last evaluated: 2018-01-13. Review status: criteria provided, single submitter. Criteria: ICSL Variant Classification Criteria 13 December 2019. Collection method: clinical testing. Allele origin: germline.
Comment: the same text as in the submission from Illumina Laboratory Services, Illumina above.

NM_001814.6(CTSC):c.*279A>G

Gene: CTSC (cathepsin C; minus strand). Cytogenetic location: 11q14.2.
Variant type: single nucleotide variant.
Coding change: c.*279A>G on transcript NM_001814.6 (MANE Select); 279 bases downstream of the stop codon, A replaced by G.
Molecular consequence: 3 prime UTR variant.
Genome position (GRCh38, 1-based): chr11:88,293,727, T>C on the plus strand (A>G on the coding strand, the complement: CTSC is on the minus strand). VCF-style: chr11-88293727-T-C. GRCh37 (hg19) VCF-style: chr11-88026895-T-C.
Other names: c.*279A>G (LRG_50t1).
Identifiers: ClinVar variation 306415 (VCV000306415.5), dbSNP rs146045268, ClinGen allele CA10631708.